The following is an entry in ClinVar:

NM_201548.5(CERKL):c.954_961dup (p.Ser321fs)

Gene: CERKL (CERK like autophagy regulator; minus strand). Cytogenetic location: 2q31.3.
Variant type: Duplication.
Coding change: c.954_961dup on transcript NM_201548.5 (MANE Select); coding-DNA positions 954 to 961, 8 bases duplicated (TGGGTTCT; older notation c.954_961dupTGGGTTCT).
Protein change: p.Ser321fs; shifts the reading frame from serine 321.
Molecular consequence: frameshift variant. On other transcripts: non-coding transcript variant (2).
Genome position (GRCh38, 1-based): chr2:181,548,792-181,548,799, AGAACCCA duplicated on the plus strand (TGGGTTCT on the coding strand, the reverse complement: CERKL is on the minus strand); duplicating any 8 consecutive bases within chr2:181,548,792-181,548,800 gives the same sequence; the c. name uses the placement nearest the transcript's 3' end. VCF-style (leftmost placement, unchanged base first): chr2-181548791-G-GAGAACCCA. GRCh37 (hg19) VCF-style: chr2-182413518-G-GAGAACCCA.
Other names: c.1032_1039dup, p.Ser347fs (NM_001030311.3); c.615_622dup, p.Ser208fs (NM_001030312.3); c.747_754dup, p.Ser252fs (NM_001030313.3); c.900_907dup, p.Ser303fs (NM_001160277.2); short protein forms S208fs, S252fs, S303fs, S321fs, S347fs.
Identifiers: ClinVar variation 1072129 (VCV001072129.12), dbSNP rs758116997, ClinGen allele CA2010602.

ClinVar aggregate classification (germline): Pathogenic. Review status: criteria provided, multiple submitters, no conflicts (2 of 4 stars). 4 submissions from 4 submitters: Pathogenic (4). Last evaluated 2025-09-30.

Conditions:
CERKL-related disorders.
Retinitis pigmentosa 26 (RP26). Identifiers: Orphanet 791, MedGen C1842127, MONDO:0012024, OMIM 608380.

Submissions (4):

Labcorp Genetics (formerly Invitae), Labcorp
Classification: Pathogenic. Last evaluated: 2025-09-30. Review status: criteria provided, single submitter. Criteria: Invitae Variant Classification Sherloc (09022015). Collection method: clinical testing. Allele origin: germline.
Comment: This sequence change creates a premature translational stop signal (p.Ser347Leufs*77) in the CERKL gene. It is expected to result in an absent or disrupted protein product. Loss-of-function variants in CERKL are known to be pathogenic (PMID: 14681825, 23591405, 24043777). This variant is present in population databases (rs758116997, gnomAD 0.006%). This premature translational stop signal has been observed in individual(s) with clinical features of retinitis pigmentosa (internal data). ClinVar contains an entry for this variant (Variation ID: 1072129). For these reasons, this variant has been classified as Pathogenic.

3billion
Classification: Pathogenic for Retinitis pigmentosa 26. Last evaluated: 2025-06-18. Review status: criteria provided, single submitter. Criteria: ACMG Guidelines, 2015. Collection method: clinical testing. Allele origin: germline. Affected: yes.
Comment: The variant is observed at an extremely low frequency in the gnomAD v4.1.0 dataset (total allele frequency: <0.001%). Predicted Consequence/Location: Frameshift: predicted to result in a loss or disruption of normal protein function through nonsense-mediated decay (NMD) or protein truncation. Multiple pathogenic variants are reported downstream of the variant. The variant has been reported at least twice as pathogenic without evidence for the classification (ClinVar ID: VCV001072129 /PMID: 31736247). Therefore, this variant is classified as Pathogenic according to the recommendation of ACMG/AMP guideline.

Baylor Genetics
Classification: Pathogenic for Retinitis pigmentosa 26. Last evaluated: 2024-03-13. Review status: criteria provided, single submitter. Criteria: ACMG Guidelines, 2015. Collection method: clinical testing. Allele origin: unknown.

Blueprint Genetics
Classification: Pathogenic for CERKL-related disorders. Last evaluated: 2022-03-02. Review status: criteria provided, single submitter. Criteria: ACMG Guidelines, 2015. Collection method: clinical testing. Allele origin: germline. Affected: yes. Observed: 2 variant alleles.

Literature cited by the submitters: PubMed 14681825 (cited by Labcorp Genetics (formerly Invitae), Labcorp); PubMed 23591405 (cited by Labcorp Genetics (formerly Invitae), Labcorp); PubMed 24043777 (cited by Labcorp Genetics (formerly Invitae), Labcorp); PubMed 31736247 (cited by 3billion).